The following is an entry in ClinVar:

ClinVar aggregate classification (germline): Likely benign. Review status: criteria provided, multiple submitters, no conflicts (2 of 4 stars). 2 submissions from 2 submitters: Likely benign (2). Last evaluated 2018-01-13.

Conditions:
Behavior disorder. Also called: Behavioral disorder. Identifiers: MedGen C0004930.

Allele frequency attached by ClinVar (database versions not stated): gnomAD 0.00062 and 0.00096; TOPMed 0.00129; gnomAD exomes 0.00174; 1000 Genomes Project 0.00419; 1000 Genomes Project 30x 0.00437.
gnomAD v4.1: 353 of 274,566 alleles (0.13%); highest among the groups gnomAD compares: East Asian, 2.1%; 2 homozygotes.

Submissions (2):

Illumina Laboratory Services, Illumina
Classification: Likely benign for Behavior disorder. Last evaluated: 2018-01-13. Review status: criteria provided, single submitter. Criteria: ICSL Variant Classification Criteria 13 December 2019. Collection method: clinical testing. Allele origin: germline.
Comment: This variant was observed in the ICSL laboratory as part of a predisposition screen in an ostensibly healthy population. It had not been previously curated by ICSL or reported in the Human Gene Mutation Database (HGMD: prior to June 1st, 2018), and was therefore a candidate for classification through an automated scoring system. Utilizing variant allele frequency, disease prevalence and penetrance estimates, and inheritance mode, an automated score was calculated to assess if this variant is too frequent to cause the disease. Based on the score and internal cut-off values, a variant classified as likely benign is not then subjected to further curation. The score for this variant resulted in a classification of likely benign for this disease.

Breakthrough Genomics
Classification: Likely benign. Review status: criteria provided, single submitter. Criteria: ACMG Guidelines, 2015. Collection method: not provided. Allele origin: germline. Inheritance: Autosomal dominant inheritance. Affected: yes.

NM_001045.6(SLC6A4):c.*328A>G

Gene: SLC6A4 (solute carrier family 6 member 4; minus strand). Cytogenetic location: 17q11.2.
Variant type: single nucleotide variant.
Coding change: c.*328A>G on transcript NM_001045.6 (MANE Select); 328 bases downstream of the stop codon, A replaced by G.
Molecular consequence: 3 prime UTR variant.
Genome position (GRCh38, 1-based): chr17:30,198,128, T>C on the plus strand (A>G on the coding strand, the complement: SLC6A4 is on the minus strand). VCF-style: chr17-30198128-T-C. GRCh37 (hg19) VCF-style: chr17-28525146-T-C.
Identifiers: ClinVar variation 889946 (VCV000889946.5), dbSNP rs13306796, ClinGen allele CA289255963.
Genomic context (GRCh38, chr17:30,198,128, plus strand): 5'-AACAGTGAAACCTTTAGAAGCAAACAGATATCAGATACCAATGATCATACCAAGAAATGA[T>C]ACAGGAGACTTTCACAGACTTGATTCTAAACCTAATCCTAACTGATGATAGGGTGGTTTT-3'